The following is an entry in ClinVar:

NM_001242957.2:c.1297_1298insAlu

Gene: MAK (male germ cell associated kinase; minus strand). Cytogenetic location: 6p24.2.
Variant type: Insertion.
Identifiers: ClinVar variation 870295 (VCV000870295.1).

ClinVar aggregate classification (germline): Pathogenic (1 of 4 stars; one submission).

Submission:

Labcorp Genetics (formerly Invitae), Labcorp
Classification: Pathogenic. Last evaluated: 2020-01-03. Review status: criteria provided, single submitter. Criteria: Invitae Variant Classification Sherloc (09022015). Collection method: clinical testing. Allele origin: germline.
Comment: This sequence change inserts a large fragment of DNA, likely a transposable element, in exon 9 of the MAK gene (c.1297_1298insAlu), causing a frameshift at codon 433 (p.Lys433fs). The exact size and sequence of the insertion cannot be determined by the current assay. However, the insertion is expected to result in an absent or disrupted protein product. A similar Alu insertion has been observed in homozygosity in many individuals affected with autosomal recessive retinitis pigmentosa and may be a Jewish founder variant (PMID: 21825139, 25097241). Experimental studies have shown that this variant disrupts mRNA splicing (PMID: 21825139). Retrotransposon insertions including LINE1 (L1), Alu, and SVA (SINE-VNTR-Alu) have been reported to be disease-causing through disruption of either a coding region or splice site (PMID: 19763152, 20307669, 22406018) and loss-of-function variants in MAK are known to be pathogenic (PMID: 21148103, 21825139, 24938718, 29781741). For these reasons, this variant has been classified as Pathogenic.

Literature cited by the submitters: PubMed 29781741; PubMed 20307669; PubMed 21825139; PubMed 25097241; PubMed 21148103; PubMed 22406018; PubMed 24938718; PubMed 19763152.